The following is an entry in ClinVar:

NM_007198.4(PLPBP):c.35dup (p.Val13fs)

Genes: PLPBP (pyridoxal phosphate binding protein; plus strand), LOC113788277 (Sharpr-MPRA regulatory region 13802; plus strand). Cytogenetic location: 8p11.23.
Variant type: Duplication.
Coding change: c.35dup on transcript NM_007198.4 (MANE Select); coding-DNA position 35, one base duplicated (G; older notation c.35dupG).
Protein change: p.Val13fs; shifts the reading frame from valine 13.
Molecular consequence: frameshift variant. On other transcripts: 5 prime UTR variant (1).
Genome position (GRCh38, 1-based): chr8:37,762,694, G duplicated; the last of 3 consecutive G bases (chr8:37,762,692-37,762,694); duplicating any one gives the same sequence. VCF-style (leftmost placement, unchanged base first): chr8-37762691-T-TG. GRCh37 (hg19) VCF-style: chr8-37620209-T-TG.
Other names: c.35dup, p.Val13fs (NM_001349346.2, NM_001349347.2); c.-64dup (NM_001349348.2); c.140dup, p.Val48fs (NM_001349349.1); short protein forms V13fs, V48fs.
Identifiers: ClinVar variation 3215368 (VCV003215368.1), dbSNP rs2487359546, ClinGen allele CA2686900803.

ClinVar aggregate classification (germline): Pathogenic (1 of 4 stars; one submission).

Conditions:
Inborn genetic diseases. Identifiers: MedGen C0950123, MeSH D030342.

Submission:

Ambry Genetics
Classification: Pathogenic for Inborn genetic diseases. Last evaluated: 2022-10-28. Review status: criteria provided, single submitter. Criteria: Ambry Variant Classification Scheme 2023. Collection method: clinical testing. Allele origin: germline.
Comment: The c.35dupG (p.V13Sfs*76) alteration, located in exon 1 (coding exon 1) of the PROSC gene, consists of a duplication of G at position 35, causing a translational frameshift with a predicted alternate stop codon after 76 amino acids. This alteration is expected to result in loss of function by premature protein truncation or nonsense-mediated mRNA decay. This variant was not reported in population-based cohorts in the Genome Aggregation Database (gnomAD). Based on the available evidence, this alteration is classified as pathogenic.